The following is an entry in ClinVar:

ClinVar aggregate classification (germline): Uncertain significance (1 of 4 stars; one submission).

gnomAD v4.1: 3 of 1,613,346 alleles (0.00019%); highest among the groups gnomAD compares: Non-Finnish European, 0.00025%; no homozygotes.

Submission:

Labcorp Genetics (formerly Invitae), Labcorp
Classification: Uncertain significance. Last evaluated: 2025-10-14. Review status: criteria provided, single submitter. Criteria: Invitae Variant Classification Sherloc (09022015). Collection method: clinical testing. Allele origin: germline.
Comment: This sequence change replaces serine, which is neutral and polar, with arginine, which is basic and polar, at codon 499 of the CSF2RB protein (p.Ser499Arg). This variant is not present in population databases (gnomAD no frequency). This variant has not been reported in the literature in individuals affected with CSF2RB-related conditions. Invitae Evidence Modeling of protein sequence and biophysical properties (such as structural, functional, and spatial information, amino acid conservation, physicochemical variation, residue mobility, and thermodynamic stability) indicates that this missense variant is not expected to disrupt CSF2RB protein function with a negative predictive value of 80%. In summary, the available evidence is currently insufficient to determine the role of this variant in disease. Therefore, it has been classified as a Variant of Uncertain Significance.

NM_000395.3(CSF2RB):c.1497C>A (p.Ser499Arg)

Gene: CSF2RB (colony stimulating factor 2 receptor subunit beta; plus strand). Cytogenetic location: 22q12.3.
Variant type: single nucleotide variant.
Coding change: c.1497C>A on transcript NM_000395.3 (MANE Select); coding-DNA position 1497, C replaced by A.
Protein change: p.Ser499Arg; replaces serine 499 with arginine.
Molecular consequence: missense variant.
Genome position (GRCh38, 1-based): chr22:36,936,581, C>A. VCF-style: chr22-36936581-C-A. GRCh37 (hg19) VCF-style: chr22-37332623-C-A.
Other names: c.1515C>A, p.Ser505Arg (NM_001410827.1); short protein forms S499R, S505R.
Identifiers: ClinVar variation 4691501 (VCV004691501.1).